The following is an entry in ClinVar:

NM_007294.4(BRCA1):c.3337T>G (p.Tyr1113Asp)

Genes: BRCA1 (BRCA1 DNA repair associated; minus strand), LOC126862571 (BRD4-independent group 4 enhancer GRCh37_chr17:41243136-41244335; plus strand). Cytogenetic location: 17q21.31.
Variant type: single nucleotide variant.
Coding change: c.3337T>G on transcript NM_007294.4 (MANE Select); coding-DNA position 3337, T replaced by G.
Protein change: p.Tyr1113Asp; replaces tyrosine 1113 with aspartic acid.
Molecular consequence: missense variant. On other transcripts: intron variant (137).
Genome position (GRCh38, 1-based): chr17:43,092,194, A>C on the plus strand (T>G on the coding strand, the complement: BRCA1 is on the minus strand). VCF-style: chr17-43092194-A-C. GRCh37 (hg19) VCF-style: chr17-41244211-A-C.
Other names: c.3124T>G, p.Tyr1042Asp (NM_001407571.1, NM_001407853.1, NM_001407894.1 and 9 more transcripts); c.3337T>G, p.Tyr1113Asp (NM_001407581.1, NM_001407582.1, NM_001407583.1 and 30 more transcripts); c.3334T>G, p.Tyr1112Asp (NM_001407587.1, NM_001407590.1, NM_001407591.1 and 22 more transcripts); c.3328T>G, p.Tyr1110Asp (NM_001407646.1, NM_001407647.1); c.3214T>G, p.Tyr1072Asp (NM_001407648.1, NM_001407664.1, NM_001407665.1 and 19 more transcripts); c.3211T>G, p.Tyr1071Asp (NM_001407649.1, NM_001407670.1, NM_001407671.1 and 11 more transcripts); c.3259T>G, p.Tyr1087Asp (NM_001407653.1, NM_001407654.1, NM_001407655.1 and 4 more transcripts); c.3256T>G, p.Tyr1086Asp (NM_001407659.1, NM_001407660.1, NM_001407661.1 and 1 more transcripts); and 41 more; short protein forms Y1066D, Y1113D, Y1002D, Y1025D, Y1042D, Y1046D, Y1071D, Y1072D.
Identifiers: ClinVar variation 951166 (VCV000951166.13), dbSNP rs2053606087, ClinGen allele CA10595302.
Genomic context (GRCh38, chr17:43,092,194, plus strand): 5'-AGTTATCTGAAATCAGATATGGAGAGAAATCTGTATTAACAGTCTGAACTACTTCTTCAT[A>C]TTCTTGCTTTTTTATTTCAGGATGCTTACAATTACTTCCAGGAAGACTTTGTTTATAGAC-3'
Protein context (NP_009225.1, residues 1103-1123): CKHPEIKKQE[Tyr1113Asp]EEVVQTVNTD

ClinVar aggregate classification (germline): Conflicting classifications of pathogenicity. Review status: criteria provided, conflicting classifications (1 of 4 stars). 2 submissions from 2 submitters: Uncertain significance (1); Likely benign (1). Last evaluated 2023-03-23.

Conditions:
Hereditary breast ovarian cancer syndrome. Also called: Hereditary breast and ovarian cancer; Hereditary breast and/or ovarian cancer syndrome; Hereditary breast and ovarian cancer syndrome; Hereditary breast and ovarian cancer syndrome (HBOC); BRCA1- and BRCA2-Associated Hereditary Breast and Ovarian Cancer; Breast and ovarian cancer. Identifiers: Orphanet 145, MedGen C0677776, MeSH D061325, MONDO:0003582. Disease mechanism: loss of function.
Hereditary cancer-predisposing syndrome. Also called: Tumor predisposition; Hereditary neoplastic syndrome; Neoplastic Syndromes, Hereditary; Hereditary Cancer Syndrome. Identifiers: Orphanet 140162, MedGen C0027672, MeSH D009386, MONDO:0015356.

Submissions (2):

University of Washington Department of Laboratory Medicine, University of Washington
Classification: Likely benign for Hereditary cancer-predisposing syndrome. Last evaluated: 2023-03-23. Review status: criteria provided, single submitter. Criteria: Dines et al. (Genet Med. 2020). Collection method: curation. Allele origin: germline.
Comment: Missense variant in a coldspot region where missense variants are very unlikely to be pathogenic (PMID:31911673).

BRCA1 coldspot (exon 11 using historical exon numbering). Reclassification based on statistical prior probability

Labcorp Genetics (formerly Invitae), Labcorp
Classification: Uncertain significance for Hereditary breast ovarian cancer syndrome. Last evaluated: 2019-04-25. Review status: criteria provided, single submitter. Criteria: Invitae Variant Classification Sherloc (09022015). Collection method: clinical testing. Allele origin: germline.
Comment: Algorithms developed to predict the effect of missense changes on protein structure and function output the following: SIFT: "Tolerated"; PolyPhen-2: "Benign"; Align-GVGD: "Class C0". The aspartic acid amino acid residue is found in multiple mammalian species, suggesting that this missense change does not adversely affect protein function. These predictions have not been confirmed by published functional studies and their clinical significance is uncertain. In summary, the available evidence is currently insufficient to determine the role of this variant in disease. Therefore, it has been classified as a Variant of Uncertain Significance. This sequence change replaces tyrosine with aspartic acid at codon 1113 of the BRCA1 protein (p.Tyr1113Asp). The tyrosine residue is weakly conserved and there is a large physicochemical difference between tyrosine and aspartic acid. This variant is not present in population databases (ExAC no frequency). This variant has not been reported in the literature in individuals with BRCA1-related conditions.